The following is an entry in ClinVar:

ClinVar aggregate classification (germline): Likely pathogenic (1 of 4 stars; one submission).

Conditions:
Periodontitis, aggressive. Identifiers: MedGen C0031106, MONDO:0980757.
Haim-Munk syndrome (HMS). Also called: COCHIN JEWISH DISORDER; KERATOSIS PALMOPLANTARIS WITH PERIODONTOPATHIA AND ONYCHOGRYPOSIS. Identifiers: Orphanet 2342, MedGen C1855627, MONDO:0009491, OMIM 245010.
Papillon-Lefèvre syndrome (PALS). Also called: KERATOSIS PALMOPLANTARIS WITH PERIODONTOPATHIA; Papillon-Lefevre Disease. Identifiers: Orphanet 678, MedGen C0030360, MONDO:0009490, OMIM 245000.

Allele frequency attached by ClinVar (database versions not stated): gnomAD exomes 0.00001.
gnomAD v4.1: 10 of 1,613,434 alleles (0.00062%); highest among the groups gnomAD compares: Non-Finnish European, 0.00085%; no homozygotes.

Submission:

Labcorp Genetics (formerly Invitae), Labcorp
Classification: Likely pathogenic for Haim-Munk syndrome; Periodontitis, aggressive; Papillon-Lefèvre syndrome. Last evaluated: 2022-04-09. Review status: criteria provided, single submitter. Criteria: Invitae Variant Classification Sherloc (09022015). Collection method: clinical testing. Allele origin: germline.
Comment: This sequence change affects a donor splice site in intron 4 of the CTSC gene. It is expected to disrupt RNA splicing. Variants that disrupt the donor or acceptor splice site typically lead to a loss of protein function (PMID: 16199547), and loss-of-function variants in CTSC are known to be pathogenic (PMID: 10662808, 11106356, 11886537). In summary, the currently available evidence indicates that the variant is pathogenic, but additional data are needed to prove that conclusively. Therefore, this variant has been classified as Likely Pathogenic. Algorithms developed to predict the effect of sequence changes on RNA splicing suggest that this variant may disrupt the consensus splice site. This variant has not been reported in the literature in individuals affected with CTSC-related conditions. This variant is present in population databases (no rsID available, gnomAD 0.0009%).

Literature cited by the submitters: PubMed 16199547; PubMed 10662808; PubMed 11106356; PubMed 11886537.

NM_001814.6(CTSC):c.641+1G>A

Gene: CTSC (cathepsin C; minus strand). Cytogenetic location: 11q14.2.
Variant type: single nucleotide variant.
Coding change: c.641+1G>A on transcript NM_001814.6 (MANE Select); the canonical splice donor site of the intron after coding-DNA position 641, G replaced by A.
Molecular consequence: splice donor variant.
Genome position (GRCh38, 1-based): chr11:88,309,162, C>T on the plus strand (G>A on the coding strand, the complement: CTSC is on the minus strand). VCF-style: chr11-88309162-C-T. GRCh37 (hg19) VCF-style: chr11-88042330-C-T.
Identifiers: ClinVar variation 1979480 (VCV001979480.4), dbSNP rs1434894149, ClinGen allele CA382024893.